The following is an entry in ClinVar:

ClinVar aggregate classification (germline): Likely benign. Review status: criteria provided, single submitter (1 of 4 stars). 2 submissions from 2 submitters: Likely benign (1). 1 of the submissions does not count toward it. Last evaluated 2025-06-23.

Conditions:
COQ8B-related disorder. Also called: COQ8B-related condition.

Allele frequency attached by ClinVar (database versions not stated): gnomAD exomes 0.00011; ExAC 0.00019; ESP Exome Variant Server 0.00038; TOPMed 0.00049; gnomAD 0.00058 and 0.00061; 1000 Genomes Project 0.00060; 1000 Genomes Project 30x 0.00078.

Submissions (2):

Labcorp Genetics (formerly Invitae), Labcorp
Classification: Likely benign. Last evaluated: 2025-06-23. Review status: criteria provided, single submitter. Criteria: Invitae Variant Classification Sherloc (09022015). Collection method: clinical testing. Allele origin: germline.

PreventionGenetics, part of Exact Sciences
Classification: Likely benign for COQ8B-related condition. Last evaluated: 2019-11-19. Review status: no assertion criteria provided. Collection method: clinical testing. Allele origin: germline. Not counted in ClinVar's aggregate classification.
Comment: This variant is classified as likely benign based on ACMG/AMP sequence variant interpretation guidelines (Richards et al. 2015 PMID: 25741868, with internal and published modifications).

NM_024876.4(COQ8B):c.1419G>A (p.Leu473=)

Gene: COQ8B (coenzyme Q8B; minus strand). Cytogenetic location: 19q13.2.
Variant type: single nucleotide variant.
Coding change: c.1419G>A on transcript NM_024876.4 (MANE Select); coding-DNA position 1419, G replaced by A.
Protein change: p.Leu473=; no amino-acid change (leucine 473 retained).
Molecular consequence: synonymous variant.
Genome position (GRCh38, 1-based): chr19:40,692,251, C>T on the plus strand (G>A on the coding strand, the complement: COQ8B is on the minus strand). VCF-style: chr19-40692251-C-T. GRCh37 (hg19) VCF-style: chr19-41198156-C-T.
Other names: c.1296G>A, p.Leu432= (NM_001142555.3).
Identifiers: ClinVar variation 743304 (VCV000743304.11), dbSNP rs61746183, ClinGen allele CA9450006.